The following is an entry in ClinVar:

NM_033087.4(ALG2):c.29_31del (p.Asp10_Ser11delinsAla)

Gene: ALG2 (ALG2 alpha-1,3/1,6-mannosyltransferase; minus strand). Cytogenetic location: 9q22.33.
Variant type: Deletion.
Coding change: c.29_31del on transcript NM_033087.4 (MANE Select); coding-DNA positions 29 to 31, 3 bases deleted (ACT; older notation c.29_31delACT).
Protein change: p.Asp10_Ser11delinsAla.
Molecular consequence: inframe indel. On other transcripts: non-coding transcript variant (1).
Genome position (GRCh38, 1-based): chr9:99,221,864-99,221,866, AGT deleted on the plus strand (ACT on the coding strand, the reverse complement: ALG2 is on the minus strand). VCF-style (leftmost placement, unchanged base first): chr9-99221863-GAGT-G. GRCh37 (hg19) VCF-style: chr9-101984145-GAGT-G.
Identifiers: ClinVar variation 1395481 (VCV001395481.6), dbSNP rs762654045, ClinGen allele CA5156508.
Genomic context (GRCh38, chr9:99,221,863, plus strand): 5'-CGCTCAGCGCCGCCCACGCCCAGGTCTGGGTGGAGGAACAGCACCGACGGCTTGGGAACC[GAGT>G]CCCGTTCCCGGCCCTGCTCCTCCGCCATGGCCCTGGAGCCGCAACTGCACCCCGCACCCT-3'

ClinVar aggregate classification (germline): Uncertain significance (1 of 4 stars; one submission).

Conditions:
Congenital disorder of glycosylation, type Ii. Also called: ALG2-congenital disorder of glycosylation; ALG2-CDG; CDG Ii. Identifiers: Orphanet 79326, MedGen C1842836, MONDO:0011933, OMIM 607906.
Congenital myasthenic syndrome 14. Also called: Myasthenic syndrome, congenital, 14, with tubular aggregates. Identifiers: Orphanet 353327, Orphanet 590, MedGen C4015597, MONDO:0014543, OMIM 616228.

Allele frequency attached by ClinVar (database versions not stated): gnomAD exomes 0.00001 and below 0.00001; TOPMed below 0.00001; ExAC 0.00001; gnomAD 0.00001.

Submission:

Labcorp Genetics (formerly Invitae), Labcorp
Classification: Uncertain significance for Congenital disorder of glycosylation, type Ii; Congenital myasthenic syndrome 14. Last evaluated: 2021-07-02. Review status: criteria provided, single submitter. Criteria: Invitae Variant Classification Sherloc (09022015). Collection method: clinical testing. Allele origin: germline.
Comment: This variant, c.29_31del, is a complex sequence change that results in the deletion of two and insertion of one amino acid(s) in the ALG2 protein (p.Asp10_Ser11delinsAla). This variant is present in population databases (rs762654045, ExAC 0.02%). This variant has not been reported in the literature in individuals affected with ALG2-related conditions. Experimental studies and prediction algorithms are not available or were not evaluated, and the functional significance of this variant is currently unknown. In summary, the available evidence is currently insufficient to determine the role of this variant in disease. Therefore, it has been classified as a Variant of Uncertain Significance.